The following is an entry in ClinVar:

NM_031935.3(HMCN1):c.10739G>A (p.Gly3580Glu)

Gene: HMCN1 (hemicentin 1; plus strand). Cytogenetic location: 1q31.1.
Variant type: single nucleotide variant.
Coding change: c.10739G>A on transcript NM_031935.3 (MANE Select); coding-DNA position 10739, G replaced by A.
Protein change: p.Gly3580Glu; replaces glycine 3580 with glutamic acid.
Molecular consequence: missense variant.
Genome position (GRCh38, 1-based): chr1:186,103,637, G>A. VCF-style: chr1-186103637-G-A. GRCh37 (hg19) VCF-style: chr1-186072769-G-A.
Other names: c.10739G>A (NM_031935.2); short protein forms G3580E.
Identifiers: ClinVar variation 1904885 (VCV001904885.6), dbSNP rs755350731, ClinGen allele CA1293798.

ClinVar aggregate classification (germline): Uncertain significance. Review status: criteria provided, multiple submitters, no conflicts (2 of 4 stars). 2 submissions from 2 submitters: Uncertain significance (2). Last evaluated 2025-10-29.

Allele frequency attached by ClinVar (database versions not stated): gnomAD 0.00001; TOPMed 0.00001; ExAC 0.00002; gnomAD exomes 0.00003.
gnomAD v4.1: 43 of 1,613,684 alleles (0.0027%); highest among the groups gnomAD compares: Non-Finnish European, 0.0036%; no homozygotes.

Submissions (2):

Ambry Genetics
Classification: Uncertain significance. Last evaluated: 2025-10-29. Review status: criteria provided, single submitter. Criteria: Ambry Variant Classification Scheme 2023. Collection method: clinical testing. Allele origin: germline.

Labcorp Genetics (formerly Invitae), Labcorp
Classification: Uncertain significance. Last evaluated: 2024-09-15. Review status: criteria provided, single submitter. Criteria: Invitae Variant Classification Sherloc (09022015). Collection method: clinical testing. Allele origin: germline.
Comment: This sequence change replaces glycine, which is neutral and non-polar, with glutamic acid, which is acidic and polar, at codon 3580 of the HMCN1 protein (p.Gly3580Glu). This variant is present in population databases (rs755350731, gnomAD 0.003%). This variant has not been reported in the literature in individuals affected with HMCN1-related conditions. ClinVar contains an entry for this variant (Variation ID: 1904885). An algorithm developed to predict the effect of missense changes on protein structure and function outputs the following: PolyPhen-2: "Possibly Damaging". The glutamic acid amino acid residue is found in multiple mammalian species, which suggests that this missense change does not adversely affect protein function. In summary, the available evidence is currently insufficient to determine the role of this variant in disease. Therefore, it has been classified as a Variant of Uncertain Significance.